The following is an entry in ClinVar:

ClinVar aggregate classification (germline): Uncertain significance (1 of 4 stars; one submission).

Conditions:
Dilated cardiomyopathy 1DD (CMD1DD). Identifiers: Orphanet 154, MedGen C2750995, MONDO:0013168, OMIM 613172.

Submission:

Labcorp Genetics (formerly Invitae), Labcorp
Classification: Uncertain significance for Dilated cardiomyopathy 1DD. Last evaluated: 2025-01-27. Review status: criteria provided, single submitter. Criteria: Invitae Variant Classification Sherloc (09022015). Collection method: clinical testing. Allele origin: germline.
Comment: This sequence change affects codon 450 of the RBM20 mRNA. It is a 'silent' change, meaning that it does not change the encoded amino acid sequence of the RBM20 protein. This variant is not present in population databases (gnomAD no frequency). This variant has not been reported in the literature in individuals affected with RBM20-related conditions. Algorithms developed to predict the effect of sequence changes on RNA splicing suggest that this variant may disrupt the consensus splice site. In summary, the available evidence is currently insufficient to determine the role of this variant in disease. Therefore, it has been classified as a Variant of Uncertain Significance.

NM_001134363.3(RBM20):c.1348C>A (p.Arg450=)

Gene: RBM20 (RNA binding motif protein 20; plus strand). Cytogenetic location: 10q25.2.
Variant type: single nucleotide variant.
Coding change: c.1348C>A on transcript NM_001134363.3 (MANE Select); coding-DNA position 1348, C replaced by A.
Protein change: p.Arg450=; no amino-acid change (arginine 450 retained).
Molecular consequence: synonymous variant.
Genome position (GRCh38, 1-based): chr10:110,784,351, C>A. VCF-style: chr10-110784351-C-A. GRCh37 (hg19) VCF-style: chr10-112544109-C-A.
Identifiers: ClinVar variation 3729668 (VCV003729668.2).
Genomic context (GRCh38, chr10:110,784,351, plus strand): 5'-TCTTTGTTTAACTTATTAAGGAGCCGGTTTCCCTTTCTCGCCCTCTCCAGTGCTGGCATC[C>A]GGTGTATACTTGGTTCGGCAGAGGGAACATTGTGTGCTTCTCCCAACAGCACAGCTGTTT-3'
Protein context (NP_001127835.2, residues 440-460): CLVFSENAGI[Arg450=]CILGSAEGTL